The following is an entry in ClinVar:

ClinVar aggregate classification (germline): Uncertain significance (1 of 4 stars; one submission).

Submission:

Labcorp Genetics (formerly Invitae), Labcorp
Classification: Uncertain significance. Last evaluated: 2025-08-01. Review status: criteria provided, single submitter. Criteria: Invitae Variant Classification Sherloc (09022015). Collection method: clinical testing. Allele origin: germline.
Comment: This sequence change replaces serine, which is neutral and polar, with glycine, which is neutral and non-polar, at codon 46 of the RNF113A protein (p.Ser46Gly). This variant is not present in population databases (gnomAD no frequency). This variant has not been reported in the literature in individuals affected with RNF113A-related conditions. ClinVar contains an entry for this variant (Variation ID: 1434485). Invitae Evidence Modeling of protein sequence and biophysical properties (such as structural, functional, and spatial information, amino acid conservation, physicochemical variation, residue mobility, and thermodynamic stability) indicates that this missense variant is not expected to disrupt RNF113A protein function with a negative predictive value of 80%. In summary, the available evidence is currently insufficient to determine the role of this variant in disease. Therefore, it has been classified as a Variant of Uncertain Significance.

NM_006978.3(RNF113A):c.136A>G (p.Ser46Gly)

Genes: RNF113A (ring finger protein 113A; minus strand), LOC130068621 (ATAC-STARR-seq lymphoblastoid active region 29902; plus strand). Cytogenetic location: Xq24.
Variant type: single nucleotide variant.
Coding change: c.136A>G on transcript NM_006978.3 (MANE Select); coding-DNA position 136, A replaced by G.
Protein change: p.Ser46Gly; replaces serine 46 with glycine.
Molecular consequence: missense variant.
Genome position (GRCh38, 1-based): chrX:119,871,478, T>C on the plus strand (A>G on the coding strand, the complement: RNF113A is on the minus strand). VCF-style: chrX-119871478-T-C. GRCh37 (hg19) VCF-style: chrX-119005441-T-C.
Other names: short protein forms S46G.
Identifiers: ClinVar variation 1434485 (VCV001434485.6), dbSNP rs2147812682, ClinGen allele CA414189223.
Genomic context (GRCh38, chrX:119,871,478, plus strand): 5'-TTGGATTGTGGGTCACCCGCTTCTTTTCCGGTCGAACCACAGTGCAGCCTTCGTCGCTAC[T>C]GCTGCCGCTTTCTCCGGGCTCTGGGTCGCAGGCCGGGCGCTTTCTGCGTCCAGCAGCCCC-3'
Protein context (NP_008909.1, residues 36-56): CDPEPGESGS[Ser46Gly]SDEGCTVVRP